The following is an entry in ClinVar:

ClinVar aggregate classification (germline): Conflicting classifications of pathogenicity. Review status: criteria provided, conflicting classifications (1 of 4 stars). 2 submissions from 2 submitters: Uncertain significance (1); Likely benign (1). Last evaluated 2025-08-31.

Conditions:
Cardiovascular phenotype. Identifiers: MedGen CN230736.
Hereditary cancer-predisposing syndrome. Also called: Hereditary Cancer Syndrome; Hereditary neoplastic syndrome; Neoplastic Syndromes, Hereditary; Tumor predisposition. Identifiers: Orphanet 140162, MedGen C0027672, MeSH D009386, MONDO:0015356.
Neurofibromatosis, type 1 (NF1). Also called: NEUROFIBROMATOSIS, TYPE I, SOMATIC; Neurofibromatosis, type I; Peripheral type neurofibromatosis; VON RECKLINGHAUSEN DISEASE. Identifiers: Orphanet 636, MedGen C0027831, MONDO:0018975, OMIM 162200. Disease mechanism: loss of function.

Allele frequency attached by ClinVar (database versions not stated): gnomAD exomes 0.00001; ExAC 0.00002.
gnomAD v4.1: 8 of 1,614,118 alleles (0.0005%); highest among the groups gnomAD compares: South Asian, 0.0088%; no homozygotes.

Submissions (2):

Ambry Genetics
Classification: Likely benign for Cardiovascular phenotype; Hereditary cancer-predisposing syndrome. Last evaluated: 2025-08-31. Review status: criteria provided, single submitter. Criteria: Ambry Variant Classification Scheme 2023. Collection method: clinical testing. Allele origin: germline.

Labcorp Genetics (formerly Invitae), Labcorp
Classification: Uncertain significance for Neurofibromatosis, type 1. Last evaluated: 2023-12-12. Review status: criteria provided, single submitter. Criteria: Invitae Variant Classification Sherloc (09022015). Collection method: clinical testing. Allele origin: germline.
Comment: This sequence change replaces phenylalanine, which is neutral and non-polar, with leucine, which is neutral and non-polar, at codon 2135 of the NF1 protein (p.Phe2135Leu). This variant is present in population databases (rs746125499, gnomAD 0.02%). This variant has not been reported in the literature in individuals affected with NF1-related conditions. Advanced modeling of protein sequence and biophysical properties (such as structural, functional, and spatial information, amino acid conservation, physicochemical variation, residue mobility, and thermodynamic stability) has been performed at Invitae for this missense variant, however the output from this modeling did not meet the statistical confidence thresholds required to predict the impact of this variant on NF1 protein function. In summary, the available evidence is currently insufficient to determine the role of this variant in disease. Therefore, it has been classified as a Variant of Uncertain Significance.

NM_001042492.3(NF1):c.6466T>C (p.Phe2156Leu)

Gene: NF1 (neurofibromin 1; plus strand). Cytogenetic location: 17q11.2.
Variant type: single nucleotide variant.
Coding change: c.6466T>C on transcript NM_001042492.3 (MANE Select); coding-DNA position 6466, T replaced by C.
Protein change: p.Phe2156Leu; replaces phenylalanine 2156 with leucine.
Molecular consequence: missense variant.
Genome position (GRCh38, 1-based): chr17:31,337,406, T>C. VCF-style: chr17-31337406-T-C. GRCh37 (hg19) VCF-style: chr17-29664424-T-C.
Other names: c.6403T>C, p.Phe2135Leu (NM_000267.4); short protein forms F2135L, F2156L.
Identifiers: ClinVar variation 2995241 (VCV002995241.4), dbSNP rs746125499, ClinGen allele CA8487359.